The following is an entry in ClinVar:

NM_001164508.2(NEB):c.3872_3873insTCTAA (p.Ser1292fs)

Gene: NEB (nebulin; minus strand). Cytogenetic location: 2q23.3.
Variant type: Insertion.
Coding change: c.3872_3873insTCTAA on transcript NM_001164508.2 (MANE Select); coding-DNA positions 3872 to 3873, TCTAA inserted.
Protein change: p.Ser1292fs; shifts the reading frame from serine 1292.
Molecular consequence: frameshift variant.
Genome position: GRCh38 VCF-style: chr2-151675293-T-TTTAGA. GRCh37 (hg19) VCF-style: chr2-152531807-T-TTTAGA.
Other names: c.3872_3873insTCTAA, p.Ser1292fs (NM_001164507.2, NM_001271208.2, NM_004543.5); short protein forms S1292fs.
Identifiers: ClinVar variation 1725363 (VCV001725363.2), dbSNP rs2552261781, ClinGen allele CA2580064129.

ClinVar aggregate classification (germline): Likely pathogenic (1 of 4 stars; one submission).

Conditions:
Nemaline myopathy 2 (NEM2). Also called: Nemaline myopathy 2, autosomal recessive. Identifiers: MedGen C1850569, MONDO:0009725, OMIM 256030.

Submission:

Myriad Genetics, Inc.
Classification: Likely pathogenic for Nemaline myopathy 2. Last evaluated: 2022-03-17. Review status: criteria provided, single submitter. Criteria: Myriad Women's Health Autosomal Recessive and X-Linked Classification Criteria (2021). Collection method: clinical testing. Allele origin: unknown.
Comment: NM_001271208.1(NEB):c.3872_3873ins5(S1292Lfs*14) is expected to be pathogenic in the context of NEB-related nemaline myopathy. This variant is predicted to lead to an abnormal or absent protein product due to the creation of a premature termination codon in NEB, a gene where loss-of-function variants are known to be pathogenic. Please note: this variant was assessed in the context of healthy population screening.